The following is an entry in ClinVar:

NM_014974.3(DIP2C):c.3374T>G (p.Ile1125Ser)

Genes: DIP2C (DIP2 acetate--CoA ligase C (putative); minus strand), LOC126860805 (BRD4-independent group 4 enhancer GRCh37_chr10:390524-391723; plus strand). Cytogenetic location: 10p15.3.
Variant type: single nucleotide variant.
Coding change: c.3374T>G on transcript NM_014974.3 (MANE Select); coding-DNA position 3374, T replaced by G.
Protein change: p.Ile1125Ser; replaces isoleucine 1125 with serine.
Molecular consequence: missense variant.
Genome position (GRCh38, 1-based): chr10:344,888, A>C on the plus strand (T>G on the coding strand, the complement: DIP2C is on the minus strand). VCF-style: chr10-344888-A-C. GRCh37 (hg19) VCF-style: chr10-390828-A-C.
Other names: short protein forms I1125S.
Identifiers: ClinVar variation 1476276 (VCV001476276.6), dbSNP rs189598710, ClinGen allele CA201908251.
Genomic context (GRCh38, chr10:344,888, plus strand): 5'-CCAGTTGTGGACACGCTGAAGTCGAGATATGCAAGAGTGTCTGGGTTGCAAGGTTTGCAG[A>C]TCTGGGCAGGCCGCTTCTTTGGCAAATCATCTGGAGAGGAACATGACTATCAGCAGATCC-3'
Protein context (NP_055789.1, residues 1115-1135): DDLPKKRPAQ[Ile1125Ser]CKPCNPDTLA

ClinVar aggregate classification (germline): Uncertain significance (1 of 4 stars; one submission).

Allele frequency attached by ClinVar (database versions not stated): gnomAD 0.00001 and 0.00003; TOPMed 0.00001; 1000 Genomes Project 30x 0.00031.
gnomAD v4.1: 12 of 1,607,920 alleles (0.00075%); highest among the groups gnomAD compares: Middle Eastern, 0.02%; no homozygotes.

Submission:

Labcorp Genetics (formerly Invitae), Labcorp
Classification: Uncertain significance. Last evaluated: 2022-07-03. Review status: criteria provided, single submitter. Criteria: Invitae Variant Classification Sherloc (09022015). Collection method: clinical testing. Allele origin: germline.
Comment: In summary, the available evidence is currently insufficient to determine the role of this variant in disease. Therefore, it has been classified as a Variant of Uncertain Significance. Algorithms developed to predict the effect of missense changes on protein structure and function (SIFT, PolyPhen-2, Align-GVGD) all suggest that this variant is likely to be tolerated. ClinVar contains an entry for this variant (Variation ID: 1476276). This variant has not been reported in the literature in individuals affected with DIP2C-related conditions. This variant is present in population databases (rs189598710, gnomAD 0.006%). This sequence change replaces isoleucine, which is neutral and non-polar, with serine, which is neutral and polar, at codon 1125 of the DIP2C protein (p.Ile1125Ser).